The following is an entry in ClinVar:

NM_001572.5(IRF7):c.247_252dup (p.Ala83_Glu84dup)

Gene: IRF7 (interferon regulatory factor 7; minus strand). Cytogenetic location: 11p15.5.
Variant type: Duplication.
Coding change: c.247_252dup on transcript NM_001572.5 (MANE Select); coding-DNA positions 247 to 252, 6 bases duplicated (GCTGAG; older notation c.247_252dupGCTGAG).
Protein change: p.Ala83_Glu84dup.
Molecular consequence: inframe insertion.
Genome position (GRCh38, 1-based): chr11:614,939-614,944, CTCAGC duplicated on the plus strand (GCTGAG on the coding strand, the reverse complement: IRF7 is on the minus strand); duplicating any 6 consecutive bases within chr11:614,939-614,947 gives the same sequence; the c. name uses the placement nearest the transcript's 3' end. VCF-style (leftmost placement, unchanged base first): chr11-614938-T-TCTCAGC. GRCh37 (hg19) VCF-style: chr11-614938-T-TCTCAGC.
Other names: c.247_252dup, p.Ala83_Glu84dup (NM_004029.4); c.286_291dup, p.Ala96_Glu97dup (NM_004031.4).
Identifiers: ClinVar variation 850331 (VCV000850331.7), dbSNP rs752242640, ClinGen allele CA5784023.
Genomic context (GRCh38, chr11:614,938, plus strand): 5'-AGCGACGCGTGCTGCGCAGTGCGCAGCGGAAGTTGGTTTTCCAGCCGGCGCGCTCCGCAG[T>TCTCAGC]CTCAGCCTCGGGGGGCGGGCCACCTCCCCTGCTGCTAGGCGGCCACCTGCCGCGGGCCAC-3'

ClinVar aggregate classification (germline): Uncertain significance (1 of 4 stars; one submission).

Conditions:
Immunodeficiency 39 (IMD39). Identifiers: Orphanet 574918, MedGen C4225358, MONDO:0014597, OMIM 616345.

Submission:

Labcorp Genetics (formerly Invitae), Labcorp
Classification: Uncertain significance for Immunodeficiency 39. Last evaluated: 2024-02-24. Review status: criteria provided, single submitter. Criteria: Invitae Variant Classification Sherloc (09022015). Collection method: clinical testing. Allele origin: germline.
Comment: This variant, c.286_291dup, results in the insertion of 2 amino acid(s) of the IRF7 protein (p.Ala96_Glu97dup), but otherwise preserves the integrity of the reading frame. The frequency data for this variant in the population databases is considered unreliable, as metrics indicate poor data quality at this position in the gnomAD database. This variant has not been reported in the literature in individuals affected with IRF7-related conditions. ClinVar contains an entry for this variant (Variation ID: 850331). Experimental studies and prediction algorithms are not available or were not evaluated, and the functional significance of this variant is currently unknown. In summary, the available evidence is currently insufficient to determine the role of this variant in disease. Therefore, it has been classified as a Variant of Uncertain Significance.